The following is an entry in ClinVar:

NR_003051.4(RMRP):n.37C>A

Gene: RMRP (RNA component of mitochondrial RNA processing endoribonuclease; minus strand). Cytogenetic location: 9p13.3.
Variant type: single nucleotide variant.
Genome position: GRCh38 VCF-style: chr9-35657983-G-T. GRCh37 (hg19) VCF-style: chr9-35657980-G-T.
Identifiers: ClinVar variation 533768 (VCV000533768.15), dbSNP rs549085067, ClinGen allele CA5045860.
Genomic context (GRCh38, chr9:35,657,983, plus strand): 5'-CTCTCTGCCCGAGGTCCGGGGACTTTCCCCTAGGCGGAAAGGGGAGGAACAGAGTCCTCA[G>T]TGTGTAGCCTAGGATACAGGCCTTCAGCACGAACCACGTCCTCAGCTTCACAGAGTAGTA-3'

ClinVar aggregate classification (germline): Likely pathogenic. Review status: reviewed by expert panel (3 of 4 stars). 6 submissions from 6 submitters: Likely pathogenic (1). 5 of the submissions do not count toward it. Last evaluated 2026-08-28.

Conditions:
RMRP-related disorder. Also called: RMRP-related condition.
Anauxetic dysplasia. Identifiers: Orphanet 93347, MedGen C1846796, MONDO:0011773.
Metaphyseal chondrodysplasia, McKusick type (CHH). Also called: Cartilage-hair hypoplasia; Cartilage-Hair Hypoplasia (CHH). Identifiers: Orphanet 175, MedGen C0220748, MONDO:0009595, OMIM 250250.

Allele frequency attached by ClinVar (database versions not stated): gnomAD exomes 0.00005; ExAC 0.00038.
gnomAD v4.1: 21 of 700,318 alleles (0.003%); highest among the groups gnomAD compares: South Asian, 0.03%; no homozygotes.

Submissions (6):

ClinGen Severe Combined Immunodeficiency Variant Curation Expert Panel, ClinGen
Classification: Likely pathogenic for Metaphyseal chondrodysplasia, McKusick type. Last evaluated: 2026-08-28. Review status: reviewed by expert panel. Criteria: ClinGen SCID ACMG Specifications RMRP V1.3. Collection method: curation. Allele origin: germline.
Comment: The GrpMax filtering allele frequency (South Asian population) of this variant is 0.0001958 in gnomAD v4.1.0, which DOES NOT meet the ClinGen SCID VCEP PM2_Supporting threshold of <0.0000447 (PM2_Supporting, not met). The GrpMax filtering allele frequency (South Asian population) of this variant is 0.0001958 in gnomAD v4.1.0, which is <0.004 so BA1 not met. The GrpMax filtering allele frequency (South Asian population) of this variant is 0.0001958 in gnomAD v4.1.0, which is <0.00089 so BS1 not met. PM3 is applicable because BA1/BS1 not met. This variant has been found homozygous in a patient presenting with Omenn syndrome (0.5 pt) (internal data) and a patient with CHH (P3, PMID: 25663137) (0.5 pt), reaching 1 pt in total. Therefore PM3 is met. Three siblings (P3, P4 and P5, PMID: 25663137) from a consanguineous South Asian family with this variant presenting with CHH, PP1_moderate is met. Another patient with this variant (P3, PMID: 25663137) presents with clinical features meeting SCID diagnostic criteria (+1.0 points), metaphyseal dysplasia with radiographic evidence (+1.0 points), family history of SCID/CHH (+0.5 points). Therefore, (2.5 total points) PP4_moderate is met. The p-value threshold significance is more than 0.1 (0.95) using RNAsnp to access SNP effects on local RNA secondary structure, PP3 is NOT met. In summary, this variant is classified as likely pathogenic for Autosomal recessive Cartilage Hair Hypoplasia based on the ACMG/AMP criteria applied, as specified by the ClinGen SCID VCEP: PM3, PP1_moderate, PP4_moderate (VCEP specifications version 1.3).

Labcorp Genetics (formerly Invitae), Labcorp
Classification: Pathogenic for Anauxetic dysplasia. Last evaluated: 2026-01-14. Review status: criteria provided, single submitter. Criteria: Invitae Variant Classification Sherloc (09022015). Collection method: clinical testing. Allele origin: germline. Not counted in ClinVar's aggregate classification.
Comment: This variant occurs in the RMRP gene, which encodes an RNA molecule that does not result in a protein product. This variant is present in population databases (rs549085067, gnomAD 0.02%). This variant has been observed in individual(s) with clinical features of cartilage-hair hypoplasia-anauxetic dysplasia spectrum disorders (PMID: 25663137; internal data). In at least one individual the data is consistent with being in trans (on the opposite chromosome) from a pathogenic variant. This variant is also known as 35C>A. ClinVar contains an entry for this variant (Variation ID: 533768). Experimental studies and prediction algorithms are not available or were not evaluated, and the functional significance of this variant is currently unknown. This variant disrupts the n.36c nucleotide in the RMRP gene. Other variant(s) that disrupt this nucleotide have been determined to be pathogenic (PMID: 16244706, 18164267; internal data). This suggests that this nucleotide is clinically significant, and that variants that disrupt this position are likely to be disease-causing. For these reasons, this variant has been classified as Pathogenic.

Natera, Inc.
Classification: Likely pathogenic for Cartilage-hair hypoplasia. Last evaluated: 2025-05-13. Review status: criteria provided, single submitter. Criteria: Natera Variant Classification Schema (03/2026). Collection method: clinical testing. Allele origin: germline. Not counted in ClinVar's aggregate classification.
Comment: The n.36C>A variant in RMRP is characterized as a single nucleotide variant (SNV). This variant is rare in the general population with a frequency below the threshold expected for the associated phenotype(s). This variant has been observed in one or more individuals affected with the associated recessive disease, as either homozygous or compound heterozygous with a second variant (PMID: 25663137). This variant has been observed to segregate in affected family members (PMID: 25663137). This variant has been identified in one or more affected individual with a phenotype highly consistent with the associated gene (PMID: 25663137). Given the available evidence, this variant is classified as Likely Pathogenic.

Blueprint Genetics
Classification: Likely pathogenic for RMRP-related disorders. Last evaluated: 2023-07-19. Review status: criteria provided, single submitter. Criteria: ACMG Guidelines, 2015. Collection method: clinical testing. Allele origin: germline. Affected: yes. Observed: 3 variant alleles. Not counted in ClinVar's aggregate classification.

Neonatology Unit, University Hospital of Modena
Classification: Pathogenic for Metaphyseal chondrodysplasia, McKusick type. Last evaluated: 2022-12-12. Review status: no assertion criteria provided. Collection method: clinical testing. Allele origin: germline. Inheritance: Autosomal recessive inheritance. Affected: yes. Observed: 1 homozygote. Not counted in ClinVar's aggregate classification.

Counsyl
Classification: Uncertain significance for Metaphyseal chondrodysplasia, McKusick type. Last evaluated: 2017-03-24. Review status: no assertion criteria provided. Collection method: clinical testing. Allele origin: unknown. Not counted in ClinVar's aggregate classification.

Literature cited by the submitters: PubMed 25663137 (cited by 4 submitters); PubMed 16244706 (cited by Labcorp Genetics (formerly Invitae), Labcorp); PubMed 18164267 (cited by Labcorp Genetics (formerly Invitae), Labcorp and Counsyl).